The following is an entry in ClinVar:

ClinVar aggregate classification (germline): Conflicting classifications of pathogenicity. Review status: criteria provided, conflicting classifications (1 of 4 stars). 5 submissions from 5 submitters: Likely pathogenic (1); Uncertain significance (4). Last evaluated 2025-10-15.

Conditions:
RYR1-related disorder. Also called: RYR1-related disorders; RYR1-related condition. Identifiers: MedGen CN239331.
Malignant hyperthermia, susceptibility to, 1 (MHS1). Also called: Anesthesia related hyperthermia; Malignant hyperpyrexia; Fulminating hyperpyrexia; Pharmacogenic myopathy; RYR1-Related Malignant Hyperthermia Susceptibility; Malignant hyperthermia suceptibility 1. Identifiers: Orphanet 423, MedGen C2930980, MONDO:0007783, OMIM 145600.

Allele frequency attached by ClinVar (database versions not stated): gnomAD exomes 0.00001; TOPMed 0.00001; gnomAD 0.00003; ExAC 0.00005.
gnomAD v4.1: 23 of 1,600,708 alleles (0.0014%); highest among the groups gnomAD compares: Non-Finnish European, 0.0019%; no homozygotes.

Submissions (5):

Labcorp Genetics (formerly Invitae), Labcorp
Classification: Likely pathogenic for RYR1-related disorder. Last evaluated: 2025-10-15. Review status: criteria provided, single submitter. Criteria: Invitae Variant Classification Sherloc (09022015). Collection method: clinical testing. Allele origin: germline.
Comment: This sequence change replaces proline, which is neutral and non-polar, with leucine, which is neutral and non-polar, at codon 3410 of the RYR1 protein (p.Pro3410Leu). The frequency data for this variant in the population databases is considered unreliable, as metrics indicate poor data quality at this position in the gnomAD database. This missense change has been observed in individual(s) with autosomal dominant congenital myopathy (PMID: 32403337). ClinVar contains an entry for this variant (Variation ID: 590363). Invitae Evidence Modeling of protein sequence and biophysical properties (such as structural, functional, and spatial information, amino acid conservation, physicochemical variation, residue mobility, and thermodynamic stability) indicates that this missense variant is expected to disrupt RYR1 protein function with a positive predictive value of 80%. This variant disrupts the p.Pro3410 amino acid residue in RYR1. Other variant(s) that disrupt this residue have been determined to be pathogenic (PMID: 20681998). This suggests that this residue is clinically significant, and that variants that disrupt this residue are likely to be disease-causing. In summary, the currently available evidence indicates that the variant is pathogenic, but additional data are needed to prove that conclusively. Therefore, this variant has been classified as Likely Pathogenic.

All of Us Research Program, National Institutes of Health
Classification: Uncertain significance for Malignant hyperthermia, susceptibility to, 1. Last evaluated: 2024-05-30. Review status: criteria provided, single submitter. Criteria: ACMG Guidelines, 2015. Collection method: clinical testing. Allele origin: germline. Inheritance: Autosomal dominant inheritance. Observed: 7 variant alleles, 7 heterozygotes.
Comment: This missense variant replaces proline with leucine at codon 3410 of the RYR1 protein. Computational prediction suggests that this variant may have deleterious impact on protein structure and function (internally defined REVEL score threshold >= 0.7, PMID: 27666373). To our knowledge, functional studies have not been reported for this variant. This variant has not been reported in individuals affected with autosomal dominant malignant hyperthermia in the literature, although it is associated with other phenotype(s) (ClinVar Variation ID: 590363; PMID: 32403337). This variant has been identified in 7/258034 chromosomes in the general population by the Genome Aggregation Database (gnomAD). Due to insufficient evidence, this variant is classified as a Variant of Uncertain Significance for autosomal dominant malignant hyperthermia.

This study involves interpretation of variants in research participants for the purpose of population health screening. Participant phenotype was not available at the time of variant classification. Additional details can be found in publication PMID: 35346344, PMCID: PMC8962531

Color Diagnostics, LLC DBA Color Health
Classification: Uncertain significance for Malignant hyperthermia, susceptibility to, 1. Last evaluated: 2024-05-17. Review status: criteria provided, single submitter. Criteria: ACMG Guidelines, 2015. Collection method: clinical testing. Allele origin: germline.
Comment: This missense variant replaces proline with leucine at codon 3410 of the RYR1 protein. Computational prediction suggests that this variant may have deleterious impact on protein structure and function. To our knowledge, functional studies have not been reported for this variant. This variant has not been reported in individuals affected with autosomal dominant malignant hyperthermia in the literature, although it is associated with other phenotype(s) (ClinVar Variation ID: 590363PMID: 32403337). This variant has been identified in 7/258034 chromosomes in the general population by the Genome Aggregation Database (gnomAD). Due to insufficient evidence, this variant is classified as a Variant of Uncertain Significance for autosomal dominant malignant hyperthermia.

Revvity Omics, Revvity
Classification: Uncertain significance. Last evaluated: 2019-05-30. Review status: criteria provided, single submitter. Criteria: ACMG Guidelines, 2015. Collection method: clinical testing. Allele origin: germline.

PreventionGenetics, part of Exact Sciences
Classification: Uncertain significance. Last evaluated: 2015-05-26. Review status: criteria provided, single submitter. Criteria: ACMG Guidelines, 2015. Collection method: clinical testing. Allele origin: germline.

Literature cited by the submitters: PubMed 32403337 (cited by Labcorp Genetics (formerly Invitae), Labcorp and All of Us Research Program, National Institutes of Health); PubMed 20681998 (cited by Labcorp Genetics (formerly Invitae), Labcorp).

NM_000540.3(RYR1):c.10229C>T (p.Pro3410Leu)

Gene: RYR1 (ryanodine receptor 1; plus strand). Cytogenetic location: 19q13.2.
Variant type: single nucleotide variant.
Coding change: c.10229C>T on transcript NM_000540.3 (MANE Select); coding-DNA position 10229, C replaced by T.
Protein change: p.Pro3410Leu; replaces proline 3410 with leucine.
Molecular consequence: missense variant.
Genome position (GRCh38, 1-based): chr19:38,519,424, C>T. VCF-style: chr19-38519424-C-T. GRCh37 (hg19) VCF-style: chr19-39010064-C-T.
Other names: c.10229C>T, p.Pro3410Leu (NM_001042723.2); short protein forms P3410L.
Identifiers: ClinVar variation 590363 (VCV000590363.15), dbSNP rs769196275, ClinGen allele CA052646.